The following is an entry in ClinVar:

ClinVar aggregate classification (germline): Pathogenic/Likely pathogenic. Review status: criteria provided, multiple submitters, no conflicts (2 of 4 stars). 4 submissions from 4 submitters: Pathogenic (1); Likely pathogenic (3). Last evaluated 2026-08-20.

Conditions:
Cardiovascular phenotype. Identifiers: MedGen CN230736.
Dilated cardiomyopathy 1G (CMD1G). Identifiers: Orphanet 154, MedGen C1858763, MONDO:0011400, OMIM 604145.
Autosomal recessive limb-girdle muscular dystrophy type 2J (LGMDR10). Also called: MUSCULAR DYSTROPHY, LIMB-GIRDLE, AUTOSOMAL RECESSIVE 10; Limb-girdle muscular dystrophy, type 2J. Identifiers: Orphanet 140922, MedGen C1837342, MONDO:0012127, OMIM 608807.
Primary familial dilated cardiomyopathy (FDC). Also called: Hypokinetic dilated cardiomyopathy, familial; Familial dilated cardiomyopathy. Identifiers: Orphanet 217607, MedGen C0340427, MONDO:0016333.

Allele frequency attached by ClinVar (database versions not stated): TOPMed below 0.00001.
gnomAD v4.1: 1 of 1,613,782 alleles (0.000062%); highest among the groups gnomAD compares: Admixed American, 0.0017%; no homozygotes.

Submissions (4):

Ambry Genetics
Classification: Likely pathogenic for Cardiovascular phenotype. Last evaluated: 2026-08-20. Review status: criteria provided, single submitter. Criteria: Ambry Variant Classification Scheme 2023. Collection method: clinical testing. Allele origin: germline.
Comment: The p.G21189* variant (also known as c.63565G>T), located in coding exon 162 of the TTN gene, results from a G to T substitution at nucleotide position 63565. This changes the amino acid from a glycine to a stop codon within coding exon 162. This exon is located in the A-band region of the N2-B isoform of the titin protein and is constitutively expressed in TTN transcripts (percent spliced in or PSI 100%). This variant is considered to be rare based on population cohorts in the Genome Aggregation Database (gnomAD). This variant is expected to result in loss of function by premature protein truncation or nonsense-mediated mRNA decay. While truncating variants in TTN are present in 1-3% of the general population, truncating variants in the A-band are the most common cause of dilated cardiomyopathy (Herman DS et al. N. Engl. J. Med., 2012 Feb;366:619-28; Roberts AM et al. Sci Transl Med, 2015 Jan;7:270ra6). TTN truncating variants encoded in constitutive exons (PSI >90%) have been found to be significantly associated with DCM regardless of their position in titin (Schafer S et al. Nat. Genet., 2017 01;49:46-53; Akhtar MM et al. Circ Heart Fail, 2020 Oct;13:e006832; Massier M et al. Clin Genet, 2025 Jan). As such, this alteration is classified as likely pathogenic.

Labcorp Genetics (formerly Invitae), Labcorp
Classification: Likely pathogenic for Dilated cardiomyopathy 1G; Autosomal recessive limb-girdle muscular dystrophy type 2J. Last evaluated: 2024-07-25. Review status: criteria provided, single submitter. Criteria: Invitae Variant Classification Sherloc (09022015). Collection method: clinical testing. Allele origin: germline.
Comment: This sequence change creates a premature translational stop signal (p.Gly30254*) in the TTN gene. While this is not anticipated to result in nonsense mediated decay, it is expected to create a truncated TTN protein. This variant is not present in population databases (gnomAD no frequency). This premature translational stop signal has been observed in individual(s) with dilated cardiomyopathy (Invitae). ClinVar contains an entry for this variant (Variation ID: 404920). This variant is located in the A band of TTN (PMID: 25589632). Truncating variants in this region are significantly overrepresented in patients affected with dilated cardiomyopathy (PMID: 25589632). Truncating variants in this region have also been reported in individuals affected with autosomal recessive centronuclear myopathy (PMID: 23975875). In summary, the currently available evidence indicates that the variant is pathogenic, but additional data are needed to prove that conclusively. Therefore, this variant has been classified as Likely Pathogenic.

GeneDx
Classification: Pathogenic. Last evaluated: 2024-07-01. Review status: criteria provided, single submitter. Criteria: GeneDx Variant Classification Process June 2021. Collection method: clinical testing. Allele origin: germline. Affected: yes.
Comment: Nonsense variant predicted to result in protein truncation or nonsense mediated decay in a gene for which loss of function is a known mechanism of disease; Located in the A-band region of TTN in which the majority of loss of function variants have been associated with autosomal dominant titinopathies (PMID: 22335739); Not observed at significant frequency in large population cohorts (gnomAD); Has not been previously published as pathogenic or benign to our knowledge; This variant is associated with the following publications: (PMID: 22335739)

Women's Health and Genetics/Laboratory Corporation of America, LabCorp
Classification: Likely pathogenic for Primary familial dilated cardiomyopathy. Last evaluated: 2023-01-30. Review status: criteria provided, single submitter. Criteria: LabCorp Variant Classification Summary - May 2015. Collection method: clinical testing. Allele origin: germline.
Comment: Variant summary: TTN c.83056G>T (p.Gly27686X) results in a premature termination codon, predicted to cause a truncation of the encoded protein or absence of the protein due to nonsense mediated decay, which are commonly known mechanisms for disease. Truncations downstream of this position have been classified as pathogenic by our laboratory. The variant was absent in 248600 control chromosomes (gnomAD). To our knowledge, no occurrence of c.83056G>T in individuals affected with Dilated Cardiomyopathy and no experimental evidence demonstrating its impact on protein function have been reported. Three ClinVar submitters (evaluation after 2014) cite this variant as pathogenic (n=1) and likely pathogenic (n=2). Based on the evidence outlined above, the variant was classified as likely pathogenic.

Literature cited by the submitters: PubMed 25589632 (cited by Labcorp Genetics (formerly Invitae), Labcorp); PubMed 23975875 (cited by Labcorp Genetics (formerly Invitae), Labcorp).

NM_001267550.2(TTN):c.90760G>T (p.Gly30254Ter)

Genes: TTN (titin; minus strand), TTN-AS1 (TTN antisense RNA 1; plus strand). Cytogenetic location: 2q31.2.
Variant type: single nucleotide variant.
Coding change: c.90760G>T on transcript NM_001267550.2 (MANE Select); coding-DNA position 90760, G replaced by T.
Protein change: p.Gly30254Ter; replaces glycine 30254 with a stop codon.
Molecular consequence: nonsense.
Genome position (GRCh38, 1-based): chr2:178,552,140, C>A on the plus strand (G>T on the coding strand, the complement: TTN is on the minus strand). VCF-style: chr2-178552140-C-A. GRCh37 (hg19) VCF-style: chr2-179416867-C-A.
Other names: c.85837G>T, p.Gly28613Ter (NM_001256850.1); c.63565G>T, p.Gly21189Ter (NM_003319.4); c.83056G>T, p.Gly27686Ter (NM_133378.4); c.63940G>T, p.Gly21314Ter (NM_133432.3); c.64141G>T, p.Gly21381Ter (NM_133437.4); c.90760G>T (NM_001267550.1); short protein forms G30254*, G21314*, G21189*, G21381*, G28613*, G27686*.
Identifiers: ClinVar variation 404920 (VCV000404920.19), dbSNP rs1060500495, ClinGen allele CA16610331.